The following is an entry in ClinVar:

ClinVar aggregate classification (germline): Pathogenic. Review status: reviewed by expert panel (3 of 4 stars). 4 submissions from 4 submitters: Pathogenic (1). 3 of the submissions do not count toward it. Last evaluated 2023-02-13.

Conditions:
Primary Mitochondrial Disorders. Identifiers: MedGen CN381104.
Mitochondrial disease. Also called: Mitochondrial disorder; Mitochondrial disorders. Identifiers: Orphanet 68380, MedGen C0751651, MeSH D028361, MONDO:0044970.
Ophthalmoplegia, isolated. Identifiers: MedGen C4016605.
Mitochondrial complex IV deficiency, nuclear type 1 (MC4DN1). Also called: COX DEFICIENCY; Mitochondrial complex IV deficiency; Complex 4 mitochondrial respiratory chain deficiency; Deficiency of mitochondrial respiratory chain complex4; Complex IV deficiency. Identifiers: MedGen C5435656, MONDO:0700250, OMIM 220110. Disease mechanism: loss of function.

Submissions (4):

ClinGen Mitochondrial Disease Nuclear and Mitochondrial  Variant Curation Expert Panel, ClinGen
Classification: Pathogenic for Mitochondrial disease. Last evaluated: 2023-02-13. Review status: reviewed by expert panel. Criteria: McCormick et al. (Hum Mutat. 2020). Collection method: curation. Allele origin: germline. Inheritance: Mitochondrial inheritance.
Comment: The m.5703G>A variant in MT-TN has been reported in four unrelated individuals with primary mitochondrial disease (PS4_moderate). Features seen in affected individuals include myoclonic epilepsy with ragged red fibers (MERRF) and chronic progressive external ophthalmoplegia (CPEO), as well as exercise intolerance, severe underweight, and hearing loss (PMIDs: 8254046, 14518831, 30897601, 32419253). The variant in these four cases was seen at varying degrees of heteroplasmy in muscle (14-80%), blood (5-48%), urine (4-11%), and buccal (7-59%). The variant was reported to have arisen de novo in three of the four affected individuals (PM6_strong, PMIDs: 8254046, 30897601, 32419253) and no details about family member testing were provided for the other individual. Furthermore, the variant’s presence in individuals of different ethnic backgrounds was also considered as indirect evidence of a de novo occurrence at some time in the past. There are no other large families reported in the medical literature to consider for evidence of segregation. There is one occurrence of this variant in GenBank dataset and it is absent in gnomAD v3.1.2 and in the Helix dataset, therefore the overall frequency is still very low (PM2_supporting). The computational predictor MitoTIP predicts this variant to be pathogenic, scoring in the 89.9 percentile and HmtVAR also predicts it to be pathogenic with a score of 0.85 (PP3). Multiple independent studies support the functional impact of this variant (PS3_supporting). Single-fiber testing in two of the four affected individuals was performed and showed that the variant was present at higher heteroplasmy in COX-negative fibers than COX-positive fibers (93% heteroplasmy in COX-negative fibers compared to 2% in COX-positive fibers in one individual, P<.0001, PMID: 32419253; and 97-100% in COX-negative fibers compared to 3-63% in COX-positive fibers in the other individual, PMID: 8254046). Furthermore, cybrids with high levels of the variant demonstrated a severe mitochondrial protein synthesis defect and impaired oxidative phosphorylation (PMIDs: 8254046, 9372914). tRNA conformational studies showed impaired aminoacylation with severe reduction of the tRNA Asn pool (PMID: 9372914). In summary, this variant meets criteria to be classified as likely pathogenic however, after extensive discussion, this Expert Panel elected to modify the classification to pathogenic given consistent functional evidence of severe deleterious effect across multiple independent studies and given repeated apparent de novo occurrences across individuals of different ethnic backgrounds. This classification was approved by the NICHD/NINDS U24 ClinGen Mitochondrial Disease Variant Curation Expert Panel on February 13, 2023. Mitochondrial DNA-specific ACMG/AMP criteria applied (PMID: 32906214): PS4_moderate, PS3_supporting, PP3, PM2_supporting, PM6_strong.

Variantyx, Inc.
Classification: Likely pathogenic for Primary mitochondrial disorders. Last evaluated: 2025-05-26. Review status: criteria provided, single submitter. Criteria: Variantyx Assertion Criteria 2022. Collection method: clinical testing. Allele origin: germline. Not counted in ClinVar's aggregate classification.
Comment: The m.5703G>A change is a variant in the MT-TN gene which encodes the mitochondrial transfer RNA for asparagine. Pathogenic variants in this gene have been associated with primary mitochondrial disorders. This variant has been reported in at least 4 unrelated affected individual(s) (PMID: 8254046, 14518831, 30897601, 32419253) (PS4_Moderate). In 3 of these individuals, the variant was not detected in the mother; however maternity was not confirmed (PMID: 8254046, 30897601, 32419253). Functional studies show a deleterious effect for this variant (PMID: 8254046, 9372914, 32419253) (PS3_Moderate), which is supported by computational algorithms (Aggregate Predicted Severity Score: 1) (PP3). This variant is absent from control populations (PM2). Other reputable laboratories have reported this variant as pathogenic or likely pathogenic, and this classification has been validated by an expert panel in ClinVar (PP5). Based on the current evidence, this variant is classified as likely pathogenic for primary mitochondrial disorders.

Mendelics
Classification: Pathogenic for Mitochondrial complex IV deficiency, nuclear type 1. Last evaluated: 2022-05-04. Review status: criteria provided, single submitter. Criteria: Mendelics Assertion Criteria 2019. Collection method: clinical testing. Allele origin: germline. Not counted in ClinVar's aggregate classification.

OMIM
Classification: Pathogenic for OPHTHALMOPLEGIA, ISOLATED. Last evaluated: 2003-01-01. Review status: no assertion criteria provided. Collection method: literature only. Allele origin: germline. Not counted in ClinVar's aggregate classification.

Literature cited by the submitters: PubMed 8254046 (cited by ClinGen Mitochondrial Disease Nuclear and Mitochondrial  Variant Curation Expert Panel, ClinGen and OMIM); PubMed 10332045 (cited by ClinGen Mitochondrial Disease Nuclear and Mitochondrial  Variant Curation Expert Panel, ClinGen); PubMed 9372914 (cited by ClinGen Mitochondrial Disease Nuclear and Mitochondrial  Variant Curation Expert Panel, ClinGen and OMIM); PubMed 14518831 (cited by OMIM).

NC_012920.1(MT-TN):m.5703G>A

Gene: MT-TN (mitochondrially encoded tRNA asparagine; minus strand).
Variant type: single nucleotide variant.
Genome position: chrM-5703-G-A.
Other names: 5703G-A.
Identifiers: ClinVar variation 9620 (VCV000009620.4), dbSNP rs199476130, ClinGen allele CA120583.